The following is an entry in ClinVar:

NM_000535.7(PMS2):c.705+10G>A

Gene: PMS2 (PMS1 homolog 2, mismatch repair system component; minus strand). Cytogenetic location: 7p22.1.
Variant type: single nucleotide variant.
Coding change: c.705+10G>A on transcript NM_000535.7 (MANE Select); 10 bases into the intron after coding-DNA position 705, G replaced by A.
Molecular consequence: intron variant.
Genome position (GRCh38, 1-based): chr7:5,999,098, C>T on the plus strand (G>A on the coding strand, the complement: PMS2 is on the minus strand). VCF-style: chr7-5999098-C-T. GRCh37 (hg19) VCF-style: chr7-6038729-C-T.
Other names: c.387+10G>A (NM_001322008.2, NM_001322007.2); c.300+10G>A (NM_001322010.2, NM_001322004.2, NM_001322003.2 and 2 more transcripts); c.133-1675G>A (NM_001322013.2); c.-229+10G>A (NM_001322012.2, NM_001322011.2); c.396+10G>A (NM_001322015.2); c.705+10G>A (NM_001322006.2, NM_001322014.2).
Identifiers: ClinVar variation 508821 (VCV000508821.12), dbSNP rs770203880, ClinGen allele CA050980.
Genomic context (GRCh38, chr7:5,999,098, plus strand): 5'-GAAGGGACAATGGAAACCCGCTATAATCACTAGAGCAATAAGAGGCGTTGAAGTAACCGG[C>T]CATCACTACCTGCTTCTGCCCAAACACAGAGCCGATATTTTCCTTTATGCTGGGGCTTCC-3'

ClinVar aggregate classification (germline): Likely benign. Review status: criteria provided, multiple submitters, no conflicts (2 of 4 stars). 3 submissions from 3 submitters: Likely benign (3). Last evaluated 2026-01-13.

Conditions:
Lynch syndrome 4 (LYNCH4). Also called: Colorectal cancer, hereditary nonpolyposis, type 4; Hereditary non-polyposis colorectal cancer, type 4. Identifiers: Orphanet 144, MedGen C1838333, MONDO:0013699, OMIM 614337. Disease mechanism: loss of function.
Hereditary nonpolyposis colorectal neoplasms. Identifiers: MedGen C0009405, MeSH D003123.

Allele frequency attached by ClinVar (database versions not stated): ExAC 0.00001; gnomAD exomes 0.00001 and 0.00002.
gnomAD v4.1: 28 of 1,613,616 alleles (0.0017%); highest among the groups gnomAD compares: Non-Finnish European, 0.0023%; no homozygotes.

Submissions (3):

Labcorp Genetics (formerly Invitae), Labcorp
Classification: Likely benign for Hereditary nonpolyposis colorectal neoplasms. Last evaluated: 2026-01-13. Review status: criteria provided, single submitter. Criteria: Invitae Variant Classification Sherloc (09022015). Collection method: clinical testing. Allele origin: germline.

Myriad Genetics, Inc.
Classification: Likely benign for Lynch syndrome 4. Last evaluated: 2025-01-28. Review status: criteria provided, single submitter. Criteria: Myriad Autosomal Dominant, Autosomal Recessive and X-Linked Classification Criteria (2023). Collection method: clinical testing. Allele origin: unknown.
Comment: This variant is considered likely benign. This variant is intronic and is not expected to impact mRNA splicing.

GeneDx
Classification: Likely benign. Last evaluated: 2017-04-06. Review status: criteria provided, single submitter. Criteria: GeneDx Variant Classification (06012015). Collection method: clinical testing. Allele origin: germline. Affected: yes.
Comment: This variant is considered likely benign or benign based on one or more of the following criteria: it is a conservative change, it occurs at a poorly conserved position in the protein, it is predicted to be benign by multiple in silico algorithms, and/or has population frequency not consistent with disease.